The following is an entry in ClinVar:

ClinVar aggregate classification (germline): Pathogenic (0 of 4 stars; one submission).

Conditions:
Alkaptonuria (AKU). Also called: Alkaptonuric ochronosis; Homogentisic acidura; HOMOGENTISIC ACID OXIDASE DEFICIENCY; Alcaptonuria. Identifiers: Orphanet 56, MedGen C0002066, MONDO:0008753, OMIM 203500.

Allele frequency attached by ClinVar (database versions not stated): TOPMed below 0.00001; gnomAD 0.00001.
gnomAD v4.1: 2 of 1,613,770 alleles (0.00012%); highest among the groups gnomAD compares: Non-Finnish European, 0.00017%; no homozygotes.

Submission:

Department Of Human Genetics, Institute Of Clinical And Translational Research, Biomedical Research Center, Slovak Academy Of Sciences
Classification: Pathogenic for Alkaptonuria. Review status: no assertion criteria provided. Collection method: research. Allele origin: germline. Inheritance: Autosomal recessive inheritance. Affected: yes. Observed: 1 variant allele.
Comment: The effect on splicing has been confirmed by minigene experiments (PMID:30737480). Variant c.650-17G>A produced almost complete exon 10 skipping. Variant was originally described in PMID:9529363.It has been submitted to the HGD gene mutation database (DB-ID: AKU_00068).

Literature cited by the submitters: PubMed 9529363.

NM_000187.4(HGD):c.650-17G>A

Gene: HGD (homogentisate 1,2-dioxygenase; minus strand). Cytogenetic location: 3q13.33.
Variant type: single nucleotide variant.
Coding change: c.650-17G>A on transcript NM_000187.4 (MANE Select); 17 bases into the intron before coding-DNA position 650, G replaced by A.
Molecular consequence: intron variant.
Genome position (GRCh38, 1-based): chr3:120,644,460, C>T on the plus strand (G>A on the coding strand, the complement: HGD is on the minus strand). VCF-style: chr3-120644460-C-T. GRCh37 (hg19) VCF-style: chr3-120363307-C-T.
Identifiers: ClinVar variation 2584704 (VCV002584704.2), dbSNP rs1309894047, ClinGen allele CA897955893.
Genomic context (GRCh38, chr3:120,644,460, plus strand): 5'-AATGGGTATCAAGAAATCACGAGGATTGGCCAAGCCATTGGCCCCTAGAAAACAGTAACC[C>T]AAAAGTCTTTTAGAAACTTCCAAAACATAGGAAAGATGCCCATGGTTGCATGAAGAGAAA-3'